The following is an entry in ClinVar:

ClinVar aggregate classification (germline): Uncertain significance (1 of 4 stars; one submission).

Submission:

Labcorp Genetics (formerly Invitae), Labcorp
Classification: Uncertain significance. Last evaluated: 2024-05-28. Review status: criteria provided, single submitter. Criteria: Invitae Variant Classification Sherloc (09022015). Collection method: clinical testing. Allele origin: germline.
Comment: This sequence change replaces valine, which is neutral and non-polar, with isoleucine, which is neutral and non-polar, at codon 217 of the ARHGEF10 protein (p.Val217Ile). This variant is not present in population databases (gnomAD no frequency). This variant has not been reported in the literature in individuals affected with ARHGEF10-related conditions. An algorithm developed to predict the effect of missense changes on protein structure and function (PolyPhen-2) suggests that this variant is likely to be disruptive. In summary, the available evidence is currently insufficient to determine the role of this variant in disease. Therefore, it has been classified as a Variant of Uncertain Significance.

NM_014629.4(ARHGEF10):c.649G>A (p.Val217Ile)

Gene: ARHGEF10 (Rho guanine nucleotide exchange factor 10; plus strand). Cytogenetic location: 8p23.3.
Variant type: single nucleotide variant.
Coding change: c.649G>A on transcript NM_014629.4 (MANE Select); coding-DNA position 649, G replaced by A.
Protein change: p.Val217Ile; replaces valine 217 with isoleucine.
Molecular consequence: missense variant.
Genome position (GRCh38, 1-based): chr8:1,869,220, G>A. VCF-style: chr8-1869220-G-A. GRCh37 (hg19) VCF-style: chr8-1817386-G-A.
Other names: c.652G>A, p.Val218Ile (NM_001308152.2, NM_001308153.3); short protein forms V217I, V218I, V242I.
Identifiers: ClinVar variation 3612708 (VCV003612708.2).